The following is an entry in ClinVar:

NM_032119.4(ADGRV1):c.18512T>C (p.Met6171Thr)

Gene: ADGRV1 (adhesion G protein-coupled receptor V1; plus strand). Cytogenetic location: 5q14.3.
Variant type: single nucleotide variant.
Coding change: c.18512T>C on transcript NM_032119.4 (MANE Select); coding-DNA position 18512, T replaced by C.
Protein change: p.Met6171Thr; replaces methionine 6171 with threonine.
Molecular consequence: missense variant. On other transcripts: non-coding transcript variant (1).
Genome position (GRCh38, 1-based): chr5:91,150,109, T>C. VCF-style: chr5-91150109-T-C. GRCh37 (hg19) VCF-style: chr5-90445926-T-C.
Other names: short protein forms M6171T.
Identifiers: ClinVar variation 1058913 (VCV001058913.7), dbSNP rs754433290, ClinGen allele CA3342670.
Genomic context (GRCh38, chr5:91,150,109, plus strand): 5'-TTTATTTCATTTTACACAACCAAATGTGTTGCCCTATGAAGGCCAGTTACACTGTGGAAA[T>C]GAATGGGCATCCTGGACCCAGCACAGCCTTTTTCACGCCCGGGAGTGGAATGCCTCCTGC-3'
Protein context (NP_115495.3, residues 6161-6181): CPMKASYTVE[Met6171Thr]NGHPGPSTAF

ClinVar aggregate classification (germline): Uncertain significance. Review status: criteria provided, multiple submitters, no conflicts (2 of 4 stars). 2 submissions from 2 submitters: Uncertain significance (2). Last evaluated 2024-10-04.

Allele frequency attached by ClinVar (database versions not stated): gnomAD exomes 0.00002; gnomAD 0.00005 and 0.00006; ExAC 0.00006.
gnomAD v4.1: 43 of 1,577,864 alleles (0.0027%); highest among the groups gnomAD compares: Non-Finnish European, 0.0034%; no homozygotes.

Submissions (2):

Blueprint Genetics
Classification: Uncertain significance. Last evaluated: 2024-10-04. Review status: criteria provided, single submitter. Criteria: ACMG Guidelines, 2015. Collection method: clinical testing. Allele origin: germline.

Labcorp Genetics (formerly Invitae), Labcorp
Classification: Uncertain significance. Last evaluated: 2022-06-22. Review status: criteria provided, single submitter. Criteria: Invitae Variant Classification Sherloc (09022015). Collection method: clinical testing. Allele origin: germline.
Comment: This sequence change replaces methionine, which is neutral and non-polar, with threonine, which is neutral and polar, at codon 6171 of the ADGRV1 protein (p.Met6171Thr). This variant is present in population databases (rs754433290, gnomAD 0.008%). This variant has not been reported in the literature in individuals affected with ADGRV1-related conditions. ClinVar contains an entry for this variant (Variation ID: 1058913). Algorithms developed to predict the effect of missense changes on protein structure and function (SIFT, PolyPhen-2, Align-GVGD) all suggest that this variant is likely to be tolerated. In summary, the available evidence is currently insufficient to determine the role of this variant in disease. Therefore, it has been classified as a Variant of Uncertain Significance.